The following is an entry in ClinVar:

NM_000038.6(APC):c.823G>C (p.Gly275Arg)

Gene: APC (APC regulator of Wnt signaling pathway; plus strand). Cytogenetic location: 5q22.2.
Variant type: single nucleotide variant.
Coding change: c.823G>C on transcript NM_000038.6 (MANE Select); coding-DNA position 823, G replaced by C.
Protein change: p.Gly275Arg; replaces glycine 275 with arginine.
Molecular consequence: missense variant. On other transcripts: 5 prime UTR variant (1).
Genome position (GRCh38, 1-based): chr5:112,801,372, G>C. VCF-style: chr5-112801372-G-C. GRCh37 (hg19) VCF-style: chr5-112137069-G-C.
Other names: c.823G>C, p.Gly275Arg (NM_001127510.3, NM_001354895.2, NM_001354896.2 and 12 more transcripts); c.769G>C, p.Gly257Arg (NM_001127511.3); c.853G>C, p.Gly285Arg (NM_001354897.2, NM_001354902.2, NM_001407446.1); c.748G>C, p.Gly250Arg (NM_001354898.2, NM_001354904.2, NM_001407451.1); c.739G>C, p.Gly247Arg (NM_001354899.2, NM_001407452.1, NM_001407467.1 and 1 more transcripts); c.646G>C, p.Gly216Arg (NM_001354900.2, NM_001354901.2, NM_001354905.2 and 1 more transcripts); c.-213G>C (NM_001354906.2, NM_001407470.1, NM_001407471.1 and 1 more transcripts); short protein forms G216R, G247R, G275R, G285R, G257R, G250R.
Identifiers: ClinVar variation 1762584 (VCV001762584.2), dbSNP rs2149712457, ClinGen allele CA16023127.

ClinVar aggregate classification (germline): Uncertain significance (1 of 4 stars; one submission).

Conditions:
Hereditary cancer-predisposing syndrome. Also called: Neoplastic Syndromes, Hereditary; Tumor predisposition; Hereditary Cancer Syndrome; Hereditary neoplastic syndrome. Identifiers: Orphanet 140162, MedGen C0027672, MeSH D009386, MONDO:0015356.

Submission:

Ambry Genetics
Classification: Uncertain significance for Hereditary cancer-predisposing syndrome. Last evaluated: 2020-06-03. Review status: criteria provided, single submitter. Criteria: Ambry Variant Classification Scheme 2023. Collection method: clinical testing. Allele origin: germline.
Comment: The p.G275R variant (also known as c.823G>C), located in coding exon 7 of the APC gene, results from a G to C substitution at nucleotide position 823. The glycine at codon 275 is replaced by arginine, an amino acid with dissimilar properties. This amino acid position is well conserved in available vertebrate species. In addition, in silico predictors for this gene do not accurately predict pathogenicity. Since supporting evidence is limited at this time, the clinical significance of this alteration remains unclear.